The following is an entry in ClinVar:

NM_017739.4(POMGNT1):c.503C>T (p.Ala168Val)

Genes: POMGNT1 (protein O-linked mannose N-acetylglucosaminyltransferase 1 (beta 1,2-); minus strand), TSPAN1 (tetraspanin 1; plus strand). Cytogenetic location: 1p34.1.
Variant type: single nucleotide variant.
Coding change: c.503C>T on transcript NM_017739.4 (MANE Select); coding-DNA position 503, C replaced by T.
Protein change: p.Ala168Val; replaces alanine 168 with valine.
Molecular consequence: missense variant.
Genome position (GRCh38, 1-based): chr1:46,195,842, G>A on the plus strand (C>T on the coding strand, the complement: POMGNT1 is on the minus strand). VCF-style: chr1-46195842-G-A. GRCh37 (hg19) VCF-style: chr1-46661514-G-A.
Other names: c.503C>T, p.Ala168Val (NM_001243766.2, NM_001410783.1); c.437C>T, p.Ala146Val (NM_001290129.3); c.74C>T, p.Ala25Val (NM_001290130.2); short protein forms A168V, A25V, A146V.
Identifiers: ClinVar variation 284939 (VCV000284939.15), dbSNP rs200643988, ClinGen allele CA833715.
Genomic context (GRCh38, chr1:46,195,842, plus strand): 5'-GGGGTCAGGGTCAGGACAGAATAACTGACCTTGACAGTGCAGATGAGCACTCGGCCGGGC[G>A]CTACCATGTTGAGGAATAGCACCATGGCCTCATCCTCATGAGGTGAGTACGTGTCAAACA-3'
Protein context (NP_060209.4, residues 158-178): EAMVLFLNMV[Ala168Val]PGRVLICTVK

ClinVar aggregate classification (germline): Uncertain significance. Review status: criteria provided, multiple submitters, no conflicts (2 of 4 stars). 5 submissions from 5 submitters: Uncertain significance (5). Last evaluated 2023-07-14.

Conditions:
Inborn genetic diseases. Identifiers: MedGen C0950123, MeSH D030342.
Muscular dystrophy-dystroglycanopathy (congenital with impaired intellectual development), type B, 3. Also called: Muscular dystrophy-dystroglycanopathy (congenital with intellectual disability), type B3; MUSCULAR DYSTROPHY, CONGENITAL, POMGNT1-RELATED. Identifiers: MedGen C3150412, MONDO:0013155, OMIM 613151.
Autosomal recessive limb-girdle muscular dystrophy type 2O. Also called: MUSCULAR DYSTROPHY-DYSTROGLYCANOPATHY, LIMB-GIRDLE, POMGNT1-RELATED; Limb-Girdle Muscular Dystrophy Type 3C; MUSCULAR DYSTROPHY-DYSTROGLYCANOPATHY (LIMB-GIRDLE), TYPE C, 3. Identifiers: Orphanet 206564, MedGen C3150417, MONDO:0013161, OMIM 613157.

Allele frequency attached by ClinVar (database versions not stated): gnomAD 0.00001; TOPMed 0.00001; gnomAD exomes 0.00002 and 0.00001; 1000 Genomes Project 0.00020; 1000 Genomes Project 30x 0.00016; ExAC 0.00001.

Submissions (5):

Ambry Genetics
Classification: Uncertain significance for Inborn genetic diseases. Last evaluated: 2023-07-14. Review status: criteria provided, single submitter. Criteria: Ambry Variant Classification Scheme 2023. Collection method: clinical testing. Allele origin: germline.

Blueprint Genetics
Classification: Uncertain significance. Last evaluated: 2022-02-17. Review status: criteria provided, single submitter. Criteria: ACMG Guidelines, 2015. Collection method: clinical testing. Allele origin: germline.

Labcorp Genetics (formerly Invitae), Labcorp
Classification: Uncertain significance for Autosomal recessive limb-girdle muscular dystrophy type 2O; Muscular dystrophy-dystroglycanopathy (congenital with impaired intellectual development), type B, 3. Last evaluated: 2021-08-27. Review status: criteria provided, single submitter. Criteria: Invitae Variant Classification Sherloc (09022015). Collection method: clinical testing. Allele origin: germline.
Comment: This sequence change replaces alanine with valine at codon 168 of the POMGNT1 protein (p.Ala168Val). The alanine residue is highly conserved and there is a small physicochemical difference between alanine and valine. This variant is present in population databases (rs200643988, ExAC 0.003%). This variant has not been reported in the literature in individuals affected with POMGNT1-related conditions. ClinVar contains an entry for this variant (Variation ID: 284939). Algorithms developed to predict the effect of missense changes on protein structure and function (SIFT, PolyPhen-2, Align-GVGD) all suggest that this variant is likely to be tolerated. In summary, the available evidence is currently insufficient to determine the role of this variant in disease. Therefore, it has been classified as a Variant of Uncertain Significance.

Revvity Omics, Revvity
Classification: Uncertain significance. Last evaluated: 2020-03-12. Review status: criteria provided, single submitter. Criteria: ACMG Guidelines, 2015. Collection method: clinical testing. Allele origin: germline.

Eurofins Ntd Llc (ga)
Classification: Uncertain significance. Last evaluated: 2015-12-08. Review status: criteria provided, single submitter. Criteria: EGL Classification Definitions 2015. Collection method: clinical testing. Allele origin: germline. Observed: 2 variant alleles, 2 heterozygotes.